The following is an entry in ClinVar:

NM_020937.4(FANCM):c.1310-7G>T

Gene: FANCM (FA complementation group M; plus strand). Cytogenetic location: 14q21.2.
Variant type: single nucleotide variant.
Coding change: c.1310-7G>T on transcript NM_020937.4 (MANE Select); 7 bases into the intron before coding-DNA position 1310, G replaced by T.
Molecular consequence: intron variant.
Genome position (GRCh38, 1-based): chr14:45,155,366, G>T. VCF-style: chr14-45155366-G-T. GRCh37 (hg19) VCF-style: chr14-45624569-G-T.
Other names: c.1232-7G>T (NM_001308133.2); c.1310-7G>T (NM_001308134.2).
Identifiers: ClinVar variation 4533122 (VCV004533122.1).
Genomic context (GRCh38, chr14:45,155,366, plus strand): 5'-TATACATTAGTGTAATTGAATATGGAAAAAAACAGAAAAAAATTTTGATATTTTTGTTTT[G>T]TTCCAGGAGATAAAAATAAAAAATTTGTTTATAGTCATCCAAAGTTAAAGAAATTAGAAG-3'

ClinVar aggregate classification (germline): Uncertain significance (1 of 4 stars; one submission).

Submission:

Quest Diagnostics Nichols Institute San Juan Capistrano
Classification: Uncertain significance. Last evaluated: 2025-01-17. Review status: criteria provided, single submitter. Criteria: Quest Diagnostics criteria. Collection method: clinical testing. Allele origin: unknown.
Comment: The FANCM c.1310-7G>T variant has not been reported in individuals with FANCM-related conditions in the published literature. It also has not been reported in large, multi-ethnic general populations (Genome Aggregation Database). Analysis of this variant using software algorithms for the prediction of the effect of nucleotide changes on splicing yielded predictions that this variant does not affect FANCM mRNA splicing. Based on the available information, we are unable to determine the clinical significance of this variant.